The following is an entry in ClinVar:

ClinVar aggregate classification (germline): Likely benign. Review status: criteria provided, single submitter (1 of 4 stars). 2 submissions from 2 submitters: Likely benign (1). 1 of the submissions does not count toward it. Last evaluated 2025-10-07.

Conditions:
Neurofibromatosis, type 1 (NF1). Also called: VON RECKLINGHAUSEN DISEASE; Neurofibromatosis, type I; NEUROFIBROMATOSIS, TYPE I, SOMATIC; Peripheral type neurofibromatosis. Identifiers: Orphanet 636, MedGen C0027831, MONDO:0018975, OMIM 162200. Disease mechanism: loss of function.
NF1-related disorder. Also called: NF1-related condition. Identifiers: MedGen CN379171.

Allele frequency attached by ClinVar (database versions not stated): gnomAD exomes below 0.00001; TOPMed below 0.00001.

Submissions (2):

Labcorp Genetics (formerly Invitae), Labcorp
Classification: Likely benign for Neurofibromatosis, type 1. Last evaluated: 2025-10-07. Review status: criteria provided, single submitter. Criteria: Invitae Variant Classification Sherloc (09022015). Collection method: clinical testing. Allele origin: germline.

PreventionGenetics, part of Exact Sciences
Classification: Likely benign for NF1-related condition. Last evaluated: 2023-10-31. Review status: no assertion criteria provided. Collection method: clinical testing. Allele origin: germline. Not counted in ClinVar's aggregate classification.
Comment: This variant is classified as likely benign based on ACMG/AMP sequence variant interpretation guidelines (Richards et al. 2015 PMID: 25741868, with internal and published modifications).

NM_001042492.3(NF1):c.1527+14T>A

Gene: NF1 (neurofibromin 1; plus strand). Cytogenetic location: 17q11.2.
Variant type: single nucleotide variant.
Coding change: c.1527+14T>A on transcript NM_001042492.3 (MANE Select); 14 bases into the intron after coding-DNA position 1527, T replaced by A.
Molecular consequence: intron variant.
Genome position (GRCh38, 1-based): chr17:31,214,599, T>A. VCF-style: chr17-31214599-T-A. GRCh37 (hg19) VCF-style: chr17-29541617-T-A.
Other names: c.1527+14T>A (NM_000267.4, NM_001128147.3).
Identifiers: ClinVar variation 1623540 (VCV001623540.10), dbSNP rs1178535900, ClinGen allele CA625468525.